The following is an entry in ClinVar:

ClinVar aggregate classification (germline): Conflicting classifications of pathogenicity. Review status: criteria provided, conflicting classifications (1 of 4 stars). 2 submissions from 2 submitters: Uncertain significance (1); Likely benign (1). Last evaluated 2025-12-20.

Conditions:
Hereditary nonpolyposis colorectal neoplasms. Identifiers: MedGen C0009405, MeSH D003123.
Hereditary cancer-predisposing syndrome. Also called: Tumor predisposition; Hereditary neoplastic syndrome; Hereditary Cancer Syndrome; Neoplastic Syndromes, Hereditary. Identifiers: Orphanet 140162, MedGen C0027672, MeSH D009386, MONDO:0015356.

Allele frequency attached by ClinVar (database versions not stated): gnomAD exomes below 0.00001.
gnomAD v4.1: 4 of 1,614,110 alleles (0.00025%); highest among the groups gnomAD compares: South Asian, 0.0033%; no homozygotes.

Submissions (2):

Ambry Genetics
Classification: Uncertain significance for Hereditary cancer-predisposing syndrome. Last evaluated: 2025-12-20. Review status: criteria provided, single submitter. Criteria: Ambry Variant Classification Scheme 2023. Collection method: clinical testing. Allele origin: germline.
Comment: The p.G1093R variant (also known as c.3277G>A), located in coding exon 5 of the MSH6 gene, results from a G to A substitution at nucleotide position 3277. The glycine at codon 1093 is replaced by arginine, an amino acid with dissimilar properties. This amino acid position is well conserved in available vertebrate species. This alteration is predicted to be possibly damaging and tolerated by PolyPhen and SIFT in silico analyses, respectively. In addition, the CoDP in silico tool predicts this alteration is likely to impact molecular function, with a score of 0.997 (Terui H et al. J. Biomed. Sci. 2013;20:25). Since supporting evidence is limited at this time, the clinical significance of this alteration remains unclear.

Labcorp Genetics (formerly Invitae), Labcorp
Classification: Likely benign for Hereditary nonpolyposis colorectal neoplasms. Last evaluated: 2024-07-16. Review status: criteria provided, single submitter. Criteria: Invitae Variant Classification Sherloc (09022015). Collection method: clinical testing. Allele origin: germline.

NM_000179.3(MSH6):c.3277G>A (p.Gly1093Arg)

Gene: MSH6 (mutS homolog 6; plus strand). Cytogenetic location: 2p16.3.
Variant type: single nucleotide variant.
Coding change: c.3277G>A on transcript NM_000179.3 (MANE Select); coding-DNA position 3277, G replaced by A.
Protein change: p.Gly1093Arg; replaces glycine 1093 with arginine.
Molecular consequence: missense variant.
Genome position (GRCh38, 1-based): chr2:47,803,524, G>A. VCF-style: chr2-47803524-G-A. GRCh37 (hg19) VCF-style: chr2-48030663-G-A.
Other names: c.2887G>A, p.Gly963Arg (NM_001281492.2); c.2371G>A, p.Gly791Arg (NM_001281493.2, NM_001281494.2); short protein forms G1093R, G963R, G791R.
Identifiers: ClinVar variation 231691 (VCV000231691.15), dbSNP rs876659302, ClinGen allele CA10578136.